The following is an entry in ClinVar:

ClinVar aggregate classification (germline): Conflicting classifications of pathogenicity. Review status: criteria provided, conflicting classifications (1 of 4 stars). 4 submissions from 4 submitters: Uncertain significance (1); Benign (1); Likely benign (2). Last evaluated 2025-06-03.

Conditions:
Hereditary nonpolyposis colorectal neoplasms. Identifiers: MedGen C0009405, MeSH D003123.
Hereditary cancer-predisposing syndrome. Also called: Tumor predisposition; Neoplastic Syndromes, Hereditary; Hereditary neoplastic syndrome; Hereditary Cancer Syndrome. Identifiers: Orphanet 140162, MedGen C0027672, MeSH D009386, MONDO:0015356.
Lynch syndrome 4 (LYNCH4). Also called: Colorectal cancer, hereditary nonpolyposis, type 4; Hereditary non-polyposis colorectal cancer, type 4. Identifiers: Orphanet 144, MedGen C1838333, MONDO:0013699, OMIM 614337. Disease mechanism: loss of function.

Submissions (4):

Labcorp Genetics (formerly Invitae), Labcorp
Classification: Likely benign for Hereditary nonpolyposis colorectal neoplasms. Last evaluated: 2025-06-03. Review status: criteria provided, single submitter. Criteria: Invitae Variant Classification Sherloc (09022015). Collection method: clinical testing. Allele origin: germline.

Myriad Genetics, Inc.
Classification: Benign for Lynch syndrome 4. Last evaluated: 2025-02-04. Review status: criteria provided, single submitter. Criteria: Myriad Autosomal Dominant, Autosomal Recessive and X-Linked Classification Criteria (2023). Collection method: clinical testing. Allele origin: unknown.
Comment: This variant is considered benign. This variant is a silent/synonymous amino acid change and it is not expected to impact splicing.

Quest Diagnostics Nichols Institute San Juan Capistrano
Classification: Uncertain significance. Last evaluated: 2024-08-28. Review status: criteria provided, single submitter. Criteria: Quest Diagnostics criteria. Collection method: clinical testing. Allele origin: unknown.
Comment: The PMS2 c.2562C>T (p.Ala854=) synonymous variant has not been reported in individuals with PMS2-related conditions in the published literature. It also has not been reported in large, multi-ethnic general populations (Genome Aggregation Database). Analysis of this variant using software algorithms for the prediction of the effect of nucleotide changes on splicing yielded predictions that this variant does not affect PMS2 mRNA splicing. Based on the available information, we are unable to determine the clinical significance of this variant.

Ambry Genetics
Classification: Likely benign for Hereditary cancer-predisposing syndrome. Last evaluated: 2017-02-14. Review status: criteria provided, single submitter. Criteria: Ambry Variant Classification Scheme 2023. Collection method: clinical testing. Allele origin: germline.

NM_000535.7(PMS2):c.2562C>T (p.Ala854=)

Gene: PMS2 (PMS1 homolog 2, mismatch repair system component; minus strand). Cytogenetic location: 7p22.1.
Variant type: single nucleotide variant.
Coding change: c.2562C>T on transcript NM_000535.7 (MANE Select); coding-DNA position 2562, C replaced by T.
Protein change: p.Ala854=; no amino-acid change (alanine 854 retained).
Molecular consequence: synonymous variant. On other transcripts: non-coding transcript variant (1).
Genome position (GRCh38, 1-based): chr7:5,973,426, G>A on the plus strand (C>T on the coding strand, the complement: PMS2 is on the minus strand). VCF-style: chr7-5973426-G-A. GRCh37 (hg19) VCF-style: chr7-6013057-G-A.
Other names: c.2157C>T, p.Ala719= (NM_001322003.2, NM_001322004.2, NM_001322005.2); c.2406C>T, p.Ala802= (NM_001322006.2); c.2244C>T, p.Ala748= (NM_001322007.2, NM_001322008.2); c.2190C>T, p.Ala730= (NM_001322009.2); c.2001C>T, p.Ala667= (NM_001322010.2); c.1629C>T, p.Ala543= (NM_001322011.2, NM_001322012.2); c.1989C>T, p.Ala663= (NM_001322013.2); c.2595C>T, p.Ala865= (NM_001322014.2); and 2 more.
Identifiers: ClinVar variation 416562 (VCV000416562.18), dbSNP rs1060504841, ClinGen allele CA16612377.